The following is an entry in ClinVar:

NM_033004.4(NLRP1):c.2069_2070del (p.Phe690fs)

Gene: NLRP1 (NLR family pyrin domain containing 1; minus strand). Cytogenetic location: 17p13.2.
Variant type: Deletion.
Coding change: c.2069_2070del on transcript NM_033004.4 (MANE Select); coding-DNA positions 2069 to 2070, 2 bases deleted (TT; older notation c.2069_2070delTT).
Protein change: p.Phe690fs; shifts the reading frame from phenylalanine 690.
Molecular consequence: frameshift variant.
Genome position (GRCh38, 1-based): chr17:5,558,626-5,558,627, AA deleted on the plus strand (TT on the coding strand, the reverse complement: NLRP1 is on the minus strand); deleting any 2 consecutive bases within chr17:5,558,626-5,558,628 gives the same sequence; the c. name uses the placement nearest the transcript's 3' end. VCF-style (leftmost placement, unchanged base first): chr17-5558625-GAA-G. GRCh37 (hg19) VCF-style: chr17-5461945-GAA-G.
Other names: c.2069_2070del, p.Phe690fs (NM_001033053.3, NM_014922.5, NM_033006.4 and 1 more transcripts); short protein forms F690fs.
Identifiers: ClinVar variation 2096552 (VCV002096552.4), dbSNP rs2507936187, ClinGen allele CA2580093550.

ClinVar aggregate classification (germline): Uncertain significance (1 of 4 stars; one submission).

Submission:

Labcorp Genetics (formerly Invitae), Labcorp
Classification: Uncertain significance. Last evaluated: 2022-02-11. Review status: criteria provided, single submitter. Criteria: Invitae Variant Classification Sherloc (09022015). Collection method: clinical testing. Allele origin: germline.
Comment: In summary, the available evidence is currently insufficient to determine the role of this variant in disease. Therefore, it has been classified as a Variant of Uncertain Significance. Experimental studies and prediction algorithms are not available or were not evaluated, and the functional significance of this variant is currently unknown. This variant has not been reported in the literature in individuals affected with NLRP1-related conditions. This variant is not present in population databases (gnomAD no frequency). This sequence change creates a premature translational stop signal (p.Phe690Serfs*69) in the NLRP1 gene. It is expected to result in an absent or disrupted protein product. However, the current clinical and genetic evidence is not sufficient to establish whether loss-of-function variants in NLRP1 cause disease.